The following is an entry in ClinVar:

ClinVar aggregate classification (germline): Uncertain significance (1 of 4 stars; one submission).

Conditions:
Neonatal encephalomyopathy-cardiomyopathy-respiratory distress syndrome. Also called: Coenzyme Q10 deficiency, primary, 7. Identifiers: Orphanet 457185, MedGen C5568562, MONDO:0014562, OMIM 616276.

Submission:

Neuberg Centre For Genomic Medicine, NCGM
Classification: Uncertain significance for Neonatal encephalomyopathy-cardiomyopathy-respiratory distress syndrome. Last evaluated: 2023-07-22. Review status: criteria provided, single submitter. Criteria: ACMG Guidelines, 2015. Collection method: clinical testing. Allele origin: germline. Inheritance: Autosomal recessive inheritance. Affected: yes.
Comment: The missense c.400A>G p.Asn134Asp variant in the COQ4 gene has not been reported previously as a pathogenic variant nor as a benign variant, to our knowledge. This variant is absent in the gnomAD Exomes. Multiple lines of computational evidence Polyphen - Damaging, SIFT – Damaging and MutationTaster - Disease causing predict a damaging effect on protein structure and function for this variant. The amino acid Asparagine at position 134 is changed to a Aspartic acid changing protein sequence and it might alter its composition and physico-chemical properties. The amino acid Asparagine in COQ4 is predicted as conserved by GERP++ and PhyloP across 100 vertebrates. For these reasons, this variant has been classified as Uncertain Significance.

NM_016035.5(COQ4):c.400A>G (p.Asn134Asp)

Gene: COQ4 (coenzyme Q4; plus strand). Cytogenetic location: 9q34.11.
Variant type: single nucleotide variant.
Coding change: c.400A>G on transcript NM_016035.5 (MANE Select); coding-DNA position 400, A replaced by G.
Protein change: p.Asn134Asp; replaces asparagine 134 with aspartic acid.
Molecular consequence: missense variant. On other transcripts: stop lost (1).
Genome position (GRCh38, 1-based): chr9:128,325,879, A>G. VCF-style: chr9-128325879-A-G. GRCh37 (hg19) VCF-style: chr9-131088158-A-G.
Other names: c.303A>G, p.Ter101Trp (NM_001305942.2); short protein forms N134D.
Identifiers: ClinVar variation 3236443 (VCV003236443.3), dbSNP rs2539416865, ClinGen allele CA375021632.